The following is an entry in ClinVar:

ClinVar aggregate classification (germline): Uncertain significance. Review status: criteria provided, multiple submitters, no conflicts (2 of 4 stars). 2 submissions from 2 submitters: Uncertain significance (2). Last evaluated 2024-10-24.

Conditions:
Cardiovascular phenotype. Identifiers: MedGen CN230736.

Allele frequency attached by ClinVar (database versions not stated): TOPMed below 0.00001; gnomAD 0.00001; gnomAD exomes 0.00001.
gnomAD v4.1: 9 of 1,550,004 alleles (0.00058%); highest among the groups gnomAD compares: Non-Finnish European, 0.00078%; no homozygotes.

Submissions (2):

Labcorp Genetics (formerly Invitae), Labcorp
Classification: Uncertain significance. Last evaluated: 2024-10-24. Review status: criteria provided, single submitter. Criteria: Invitae Variant Classification Sherloc (09022015). Collection method: clinical testing. Allele origin: germline.
Comment: This sequence change replaces proline, which is neutral and non-polar, with alanine, which is neutral and non-polar, at codon 3645 of the ZNF469 protein (p.Pro3645Ala). This variant is not present in population databases (gnomAD no frequency). This variant has not been reported in the literature in individuals affected with ZNF469-related conditions. An algorithm developed to predict the effect of missense changes on protein structure and function outputs the following: PolyPhen-2: "Benign". The alanine amino acid residue is found in multiple mammalian species, which suggests that this missense change does not adversely affect protein function. In summary, the available evidence is currently insufficient to determine the role of this variant in disease. Therefore, it has been classified as a Variant of Uncertain Significance.

Ambry Genetics
Classification: Uncertain significance for Cardiovascular phenotype. Last evaluated: 2023-10-16. Review status: criteria provided, single submitter. Criteria: Ambry Variant Classification Scheme 2023. Collection method: clinical testing. Allele origin: germline.
Comment: The p.P3645A variant (also known as c.10933C>G), located in coding exon 2 of the ZNF469 gene, results from a C to G substitution at nucleotide position 10933. The proline at codon 3645 is replaced by alanine, an amino acid with highly similar properties. This amino acid position is conserved. In addition, this alteration is predicted to be tolerated by in silico analysis. Since supporting evidence is limited at this time, the clinical significance of this alteration remains unclear.

NM_001367624.2(ZNF469):c.11017C>G (p.Pro3673Ala)

Gene: ZNF469 (zinc finger protein 469; plus strand). Cytogenetic location: 16q24.2.
Variant type: single nucleotide variant.
Coding change: c.11017C>G on transcript NM_001367624.2 (MANE Select); coding-DNA position 11017, C replaced by G.
Protein change: p.Pro3673Ala; replaces proline 3673 with alanine.
Molecular consequence: missense variant.
Genome position (GRCh38, 1-based): chr16:88,438,487, C>G. VCF-style: chr16-88438487-C-G. GRCh37 (hg19) VCF-style: chr16-88504895-C-G.
Other names: NM_001127464.1:c.10933C>G; short protein forms P3673A.
Identifiers: ClinVar variation 3232733 (VCV003232733.2), dbSNP rs1275132253, ClinGen allele CA397128798.
Genomic context (GRCh38, chr16:88,438,487, plus strand): 5'-AGCCACATGGTGTCTGAGGGGGGGCCCCGAGGCGCCTTCCACAAGGGCAGCGCCACCAAG[C>G]CTGCGGGCTGCCAGAGCTCATCAAAGGACAGGTCGGCAGCATCCACCCCCAGCAAAGCAC-3'
Protein context (NP_001354553.1, residues 3663-3683): GAFHKGSATK[Pro3673Ala]AGCQSSSKDR